The following is an entry in ClinVar:

NM_174936.4(PCSK9):c.2027C>G (p.Ala676Gly)

Gene: PCSK9 (proprotein convertase subtilisin/kexin type 9; plus strand). Cytogenetic location: 1p32.3.
Variant type: single nucleotide variant.
Coding change: c.2027C>G on transcript NM_174936.4 (MANE Select); coding-DNA position 2027, C replaced by G.
Protein change: p.Ala676Gly; replaces alanine 676 with glycine.
Molecular consequence: missense variant.
Genome position (GRCh38, 1-based): chr1:55,063,532, C>G. VCF-style: chr1-55063532-C-G. GRCh37 (hg19) VCF-style: chr1-55529205-C-G.
Other names: c.2150C>G, p.Ala717Gly (NM_001407240.1); c.2069C>G, p.Ala690Gly (NM_001407241.1); c.2030C>G, p.Ala677Gly (NM_001407242.1); c.1970C>G, p.Ala657Gly (NM_001407243.1); c.1853C>G, p.Ala618Gly (NM_001407244.1); c.1835C>G, p.Ala612Gly (NM_001407245.1); c.1652C>G, p.Ala551Gly (NM_001407246.1); c.1526C>G, p.Ala509Gly (NM_001407247.1); short protein forms A657G, A509G, A618G, A690G, A551G, A612G, A677G, A717G.
Identifiers: ClinVar variation 1784667 (VCV001784667.6), dbSNP rs1330891367, ClinGen allele CA340480861.

ClinVar aggregate classification (germline): Uncertain significance. Review status: criteria provided, multiple submitters, no conflicts (2 of 4 stars). 3 submissions from 3 submitters: Uncertain significance (3). Last evaluated 2025-06-22.

Conditions:
Hypercholesterolemia, autosomal dominant, 3 (FHCL3). Also called: Familial Hypercholesterolemia, Autosomal Dominant, 3; PCSK9-Related Familial Hypercholesterolemia, Autosomal Dominant; Familial hypercholesterolemia 3. Identifiers: MedGen C1863551, MONDO:0011369, OMIM 603776.
Cardiovascular phenotype. Identifiers: MedGen CN230736.
Familial hypercholesterolemia. Also called: Familial hypercholesterolemias; Familial hypercholesterolaemia. Identifiers: MedGen C0020445, MONDO:0005439.

Allele frequency attached by ClinVar (database versions not stated): gnomAD exomes below 0.00001; TOPMed below 0.00001; gnomAD 0.00001.
gnomAD v4.1: 7 of 1,613,372 alleles (0.00043%); highest among the groups gnomAD compares: Non-Finnish European, 0.00051%; no homozygotes.

Submissions (3):

Ambry Genetics
Classification: Uncertain significance for Cardiovascular phenotype. Last evaluated: 2025-06-22. Review status: criteria provided, single submitter. Criteria: Ambry Variant Classification Scheme 2023. Collection method: clinical testing. Allele origin: germline.
Comment: The p.A676G variant (also known as c.2027C>G), located in coding exon 12 of the PCSK9 gene, results from a C to G substitution at nucleotide position 2027. The alanine at codon 676 is replaced by glycine, an amino acid with similar properties. This amino acid position is conserved. In addition, this alteration is predicted to be tolerated by in silico analysis. Since supporting evidence is limited at this time, the clinical significance of this alteration remains unclear.

Color Diagnostics, LLC DBA Color Health
Classification: Uncertain significance for Familial hypercholesterolemia. Last evaluated: 2024-03-06. Review status: criteria provided, single submitter. Criteria: ACMG Guidelines, 2015. Collection method: clinical testing. Allele origin: germline.
Comment: This missense variant replaces alanine with glycine at codon 676 of the PCSK9 protein. Computational prediction suggests that this variant may not impact protein structure and function (internally defined REVEL score threshold <= 0.5, PMID: 27666373). To our knowledge, functional studies have not been reported for this variant. This variant has not been reported in individuals affected with familial hypercholesterolemia in the literature. This variant has been identified in 1/248972 chromosomes in the general population by the Genome Aggregation Database (gnomAD). The available evidence is insufficient to determine the role of this variant in disease conclusively. Therefore, this variant is classified as a Variant of Uncertain Significance.

All of Us Research Program, National Institutes of Health
Classification: Uncertain significance for Hypercholesterolemia, autosomal dominant, 3. Last evaluated: 2023-10-02. Review status: criteria provided, single submitter. Criteria: ACMG Guidelines, 2015. Collection method: clinical testing. Allele origin: germline. Inheritance: Autosomal dominant inheritance. Observed: 1 variant allele, 1 heterozygote.
Comment: This missense variant replaces alanine with glycine at codon 676 of the PCSK9 protein. Computational prediction suggests that this variant may not impact protein structure and function (internally defined REVEL score threshold <= 0.5, PMID: 27666373). To our knowledge, functional studies have not been reported for this variant. This variant has not been reported in individuals affected with familial hypercholesterolemia in the literature. This variant has been identified in 1/248972 chromosomes in the general population by the Genome Aggregation Database (gnomAD). The available evidence is insufficient to determine the role of this variant in disease conclusively. Therefore, this variant is classified as a Variant of Uncertain Significance.

This study involves interpretation of variants in research participants for the purpose of population health screening. Participant phenotype was not available at the time of variant classification. Additional details can be found in publication PMID: 35346344, PMCID: PMC8962531